The following is an entry in ClinVar:

ClinVar aggregate classification (germline): Pathogenic (1 of 4 stars; one submission).

Conditions:
Fanconi anemia complementation group O. Also called: RAD51C-Related Fanconi Anemia. Identifiers: Orphanet 84, MedGen C3150653, MONDO:0013248, OMIM 613390.

Submission:

Labcorp Genetics (formerly Invitae), Labcorp
Classification: Pathogenic for Fanconi anemia, complementation group O. Last evaluated: 2018-08-20. Review status: criteria provided, single submitter. Criteria: Invitae Variant Classification Sherloc (09022015). Collection method: clinical testing. Allele origin: germline.
Comment: This variant is a gross deletion of the genomic region encompassing exons 6 to 9 of the RAD51C gene. The 5' boundary is likely confined to intron 5. The 3' end of this event is unknown as it extends through the termination codon beyond the assayed region for this gene and may encompass additional genes. While this deletion is not anticipated to result in nonsense mediated decay, it is expected to create a truncated protein product or disrupt mRNA translation. This variant has not been reported in the literature in an individual with a RAD51C-related disease. This variant is expected to cause the loss or disruption of 97 C-terminal amino acid residues from the RAD51C protein. While the effect of this particular sequence change on RAD51C function has not been tested, the C-terminal region of RAD51C is known to contain a nuclear localization signal, and the deletion of 11 C-terminal residues leads to cellular mislocalization of the protein, as well as reduced MMC resistance compared to the wild-type protein (PMID: 12966089). For these reasons, this variant has been classified as Pathogenic.

Literature cited by the submitters: PubMed 12966089.

NC_000017.11:g.(?_58720736)_(58734232_?)del

Gene: RAD51C (RAD51 paralog C; plus strand). Cytogenetic location: 17q22.
Variant type: Deletion.
Identifiers: ClinVar variation 663955 (VCV000663955.1).